The following is an entry in ClinVar:

ClinVar aggregate classification (germline): Uncertain significance (1 of 4 stars; one submission).

Conditions:
Rhabdoid tumor predisposition syndrome 2 (RTPS2). Identifiers: Orphanet 231108, Orphanet 69077, MedGen C2750074, MONDO:0013224, OMIM 613325.

Allele frequency attached by ClinVar (database versions not stated): gnomAD exomes below 0.00001.
gnomAD v4.1: 1 of 1,614,192 alleles (0.000062%); no homozygotes.

Submission:

Labcorp Genetics (formerly Invitae), Labcorp
Classification: Uncertain significance for Rhabdoid tumor predisposition syndrome 2. Last evaluated: 2021-10-02. Review status: criteria provided, single submitter. Criteria: Invitae Variant Classification Sherloc (09022015). Collection method: clinical testing. Allele origin: germline.
Comment: In summary, the available evidence is currently insufficient to determine the role of this variant in disease. Therefore, it has been classified as a Variant of Uncertain Significance. Algorithms developed to predict the effect of missense changes on protein structure and function (SIFT, PolyPhen-2, Align-GVGD) all suggest that this variant is likely to be tolerated. This variant has not been reported in the literature in individuals affected with SMARCA4-related conditions. This variant is not present in population databases (ExAC no frequency). This sequence change replaces alanine with threonine at codon 641 of the SMARCA4 protein (p.Ala641Thr). The alanine residue is moderately conserved and there is a small physicochemical difference between alanine and threonine.

NM_003072.5(SMARCA4):c.1921G>A (p.Ala641Thr)

Gene: SMARCA4 (SWI/SNF related BAF chromatin remodeling complex subunit ATPase 4; plus strand). Cytogenetic location: 19p13.2.
Variant type: single nucleotide variant.
Coding change: c.1921G>A on transcript NM_003072.5 (MANE Select); coding-DNA position 1921, G replaced by A.
Protein change: p.Ala641Thr; replaces alanine 641 with threonine.
Molecular consequence: missense variant. On other transcripts: non-coding transcript variant (1).
Genome position (GRCh38, 1-based): chr19:11,003,137, G>A. VCF-style: chr19-11003137-G-A. GRCh37 (hg19) VCF-style: chr19-11113813-G-A.
Other names: c.1921G>A, p.Ala641Thr (NM_001128844.3, NM_001128845.2, NM_001128846.2 and 5 more transcripts); short protein forms A641T.
Identifiers: ClinVar variation 1461253 (VCV001461253.6), dbSNP rs2146098679, ClinGen allele CA404051676.